The following is an entry in ClinVar:

NM_021120.4(DLG3):c.1145+665T>C

Gene: DLG3 (discs large MAGUK scaffold protein 3; plus strand). Cytogenetic location: Xq13.1.
Variant type: single nucleotide variant.
Coding change: c.1145+665T>C on transcript NM_021120.4 (MANE Select); 665 bases into the intron after coding-DNA position 1145, T replaced by C.
Molecular consequence: intron variant. On other transcripts: missense variant (1).
Genome position (GRCh38, 1-based): chrX:70,452,691, T>C. VCF-style: chrX-70452691-T-C. GRCh37 (hg19) VCF-style: chrX-69672541-T-C.
Other names: c.70T>C, p.Trp24Arg (NM_020730.3); short protein forms W24R.
Identifiers: ClinVar variation 1700389 (VCV001700389.2), dbSNP rs2147774947, ClinGen allele CA413494614.

ClinVar aggregate classification (germline): Uncertain significance (1 of 4 stars; one submission).

Submission:

GeneDx
Classification: Uncertain significance. Last evaluated: 2022-02-08. Review status: criteria provided, single submitter. Criteria: GeneDx Variant Classification Process June 2021. Collection method: clinical testing. Allele origin: germline. Affected: yes.
Comment: Not observed at significant frequency in large population cohorts (gnomAD); In silico analysis supports that this variant does not alter splicing; Has not been previously published as pathogenic or benign to our knowledge